The following is an entry in ClinVar:

NM_022114.4(PRDM16):c.1537G>A (p.Gly513Ser)

Gene: PRDM16 (PR/SET domain 16; plus strand). Cytogenetic location: 1p36.32.
Variant type: single nucleotide variant.
Coding change: c.1537G>A on transcript NM_022114.4 (MANE Select); coding-DNA position 1537, G replaced by A.
Protein change: p.Gly513Ser; replaces glycine 513 with serine.
Molecular consequence: missense variant.
Genome position (GRCh38, 1-based): chr1:3,411,734, G>A. VCF-style: chr1-3411734-G-A. GRCh37 (hg19) VCF-style: chr1-3328298-G-A.
Other names: p.Gly513Ser; c.1537G>A, p.Gly513Ser (NM_199454.3); short protein forms G513S.
Identifiers: ClinVar variation 241421 (VCV000241421.25), dbSNP rs200278862, ClinGen allele CA544218.

ClinVar aggregate classification (germline): Uncertain significance. Review status: criteria provided, multiple submitters, no conflicts (2 of 4 stars). 8 submissions from 8 submitters: Uncertain significance (5). 3 of the submissions do not count toward it. Last evaluated 2025-12-21.

Conditions:
Left ventricular noncompaction 8 (LVNC8). Identifiers: Orphanet 154, Orphanet 54260, MedGen C3809288, MONDO:0014152, OMIM 615373.

Allele frequency attached by ClinVar (database versions not stated): gnomAD 0.00009; gnomAD exomes 0.00009; TOPMed 0.00010; ExAC 0.00013.
gnomAD v4.1: 248 of 1,611,286 alleles (0.015%); highest among the groups gnomAD compares: Non-Finnish European, 0.02%; no homozygotes.

Submissions (9):

Labcorp Genetics (formerly Invitae), Labcorp
Classification: Uncertain significance for Left ventricular noncompaction 8. Last evaluated: 2025-12-21. Review status: criteria provided, single submitter. Criteria: Invitae Variant Classification Sherloc (09022015). Collection method: clinical testing. Allele origin: germline.
Comment: This sequence change replaces glycine, which is neutral and non-polar, with serine, which is neutral and polar, at codon 513 of the PRDM16 protein (p.Gly513Ser). This variant is present in population databases (rs200278862, gnomAD 0.02%). This variant has not been reported in the literature in individuals affected with PRDM16-related conditions. ClinVar contains an entry for this variant (Variation ID: 241421). An algorithm developed to predict the effect of missense changes on protein structure and function (PolyPhen-2) suggests that this variant is likely to be tolerated. In summary, the available evidence is currently insufficient to determine the role of this variant in disease. Therefore, it has been classified as a Variant of Uncertain Significance.

GeneDx
Classification: Uncertain significance. Last evaluated: 2024-06-04. Review status: criteria provided, single submitter. Criteria: GeneDx Variant Classification Process June 2021. Collection method: clinical testing. Allele origin: germline. Affected: yes.
Comment: Has not been previously published as pathogenic or benign in association with PRDM16-related disorder to our knowledge; In silico analysis indicates that this missense variant does not alter protein structure/function; This variant is associated with the following publications: (PMID: 27956748)

Mayo Clinic Laboratories, Mayo Clinic
Classification: Uncertain significance. Last evaluated: 2023-11-24. Review status: criteria provided, single submitter. Criteria: ACMG Guidelines, 2015. Collection method: clinical testing. Allele origin: germline. Observed: 1 variant allele.
Comment: BP4

Women's Health and Genetics/Laboratory Corporation of America, LabCorp
Classification: Uncertain significance. Last evaluated: 2023-07-31. Review status: criteria provided, single submitter. Criteria: LabCorp Variant Classification Summary - May 2015. Collection method: clinical testing. Allele origin: germline.
Comment: Variant summary: PRDM16 c.1537G>A (p.Gly513Ser) results in a non-conservative amino acid change in the encoded protein sequence. Four of five in-silico tools predict a damaging effect of the variant on protein function. The variant allele was found at a frequency of 9.3e-05 in 246486 control chromosomes, predominantly at a frequency of 0.00018 within the Non-Finnish European subpopulation in the gnomAD database. The observed variant frequency within Non-Finnish European control individuals in the gnomAD database is approximately 5 fold of the estimated maximal expected allele frequency for a pathogenic variant in PRDM16 causing Dilated Cardiomyopathy (3.6e-05), suggesting that the variant may be a polymorphism found primarily in populations of Non-Finnish European origin. c.1537G>A has been reported in the literature as a VUS in a setting of multipanel gene testing in an individual affected with Dilated Cardiomyopathy (Rieger_2019). This report does not provide unequivocal conclusions about association of the variant with Dilated Cardiomyopathy. To our knowledge, no experimental evidence demonstrating an impact on protein function has been reported. Three clinical diagnostic laboratories have submitted clinical-significance assessments for this variant to ClinVar after 2014 and all classified the variant as uncertain significance. Based on the evidence outlined above, the variant was classified as VUS-possibly benign.

Stanford Center for Inherited Cardiovascular Disease, Stanford University
Classification: Uncertain significance. Last evaluated: 2018-02-06. Review status: criteria provided, single submitter. Criteria: ACMG Guidelines, 2015. Collection method: provider interpretation. Allele origin: germline.

Clinical Genetics DNA and cytogenetics Diagnostics Lab, Erasmus MC, Erasmus Medical Center
Classification: Uncertain significance. Review status: no assertion criteria provided. Collection method: clinical testing. Allele origin: germline. Affected: yes. Study: VKGL Data-share Consensus. Not counted in ClinVar's aggregate classification.

Clinical Genetics, Academic Medical Center
Classification: Uncertain significance. Review status: no assertion criteria provided. Collection method: clinical testing. Allele origin: germline. Affected: yes. Study: VKGL Data-share Consensus. Not counted in ClinVar's aggregate classification.

Diagnostic Laboratory, Department of Genetics, University Medical Center Groningen
Classification: Uncertain significance. Review status: no assertion criteria provided. Collection method: clinical testing. Allele origin: germline. Affected: yes. Study: VKGL Data-share Consensus. Not counted in ClinVar's aggregate classification.

Dr. Peter K. Rogan Lab, Western University
No classification provided (evidence only). Condition: Clear cell carcinoma of kidney. Review status: no classification provided. Collection method: in vitro. Allele origin: not applicable. Functional consequence: retained intron. Not counted in ClinVar's aggregate classification.

Literature cited by the submitters: PubMed 27956748 (cited by Mayo Clinic Laboratories, Mayo Clinic); PubMed 31648988 (cited by Women's Health and Genetics/Laboratory Corporation of America, LabCorp).